The following is an entry in ClinVar:

NM_002529.4(NTRK1):c.2205+10G>A

Gene: NTRK1 (neurotrophic receptor tyrosine kinase 1; plus strand). Cytogenetic location: 1q23.1.
Variant type: single nucleotide variant.
Coding change: c.2205+10G>A on transcript NM_002529.4 (MANE Select); 10 bases into the intron after coding-DNA position 2205, G replaced by A.
Molecular consequence: intron variant.
Genome position (GRCh38, 1-based): chr1:156,880,167, G>A. VCF-style: chr1-156880167-G-A. GRCh37 (hg19) VCF-style: chr1-156849959-G-A.
Other names: c.2097+10G>A (NM_001007792.1); c.2187+10G>A (NM_001012331.2); c.2205+10G>A (NM_002529.3).
Identifiers: ClinVar variation 991745 (VCV000991745.10), dbSNP rs368713268, ClinGen allele CA1169593.

ClinVar aggregate classification (germline): Likely benign. Review status: criteria provided, single submitter (1 of 4 stars). 3 submissions from 3 submitters: Likely benign (1). 2 of the submissions do not count toward it. Last evaluated 2025-11-12.

Conditions:
NTRK1-related disorder. Also called: NTRK1-related condition.
Hereditary insensitivity to pain with anhidrosis (CIPA). Also called: INSENSITIVITY TO PAIN, CONGENITAL, WITH ANHIDROSIS; NTRK1 Congenital Insensitivity to Pain with Anhidrosis; HSAN Type IV; FAMILIAL DYSAUTONOMIA, TYPE II; hereditary sensory and autonomic neuropathy type 4; NEUROPATHY, CONGENITAL SENSORY, WITH ANHIDROSIS. Identifiers: Orphanet 642, MedGen C0020074, MONDO:0009746, OMIM 256800.

Allele frequency attached by ClinVar (database versions not stated): ExAC 0.00002; gnomAD 0.00002 and 0.00005; gnomAD exomes 0.00002; ESP Exome Variant Server 0.00008; 1000 Genomes Project 0.00060.
gnomAD v4.1: 16 of 1,610,422 alleles (0.00099%); highest among the groups gnomAD compares: East Asian, 0.02%; no homozygotes.

Submissions (3):

Labcorp Genetics (formerly Invitae), Labcorp
Classification: Likely benign for Hereditary insensitivity to pain with anhidrosis. Last evaluated: 2025-11-12. Review status: criteria provided, single submitter. Criteria: Invitae Variant Classification Sherloc (09022015). Collection method: clinical testing. Allele origin: germline.

Natera, Inc.
Classification: Uncertain significance for Hereditary insensitivity to pain with anhidrosis. Last evaluated: 2020-04-18. Review status: no assertion criteria provided. Collection method: clinical testing. Allele origin: germline. Not counted in ClinVar's aggregate classification.

PreventionGenetics, part of Exact Sciences
Classification: Likely benign for NTRK1-related condition. Last evaluated: 2019-04-16. Review status: no assertion criteria provided. Collection method: clinical testing. Allele origin: germline. Not counted in ClinVar's aggregate classification.
Comment: This variant is classified as likely benign based on ACMG/AMP sequence variant interpretation guidelines (Richards et al. 2015 PMID: 25741868, with internal and published modifications).